The following is an entry in ClinVar:

NM_015978.3(TNNI3K):c.1772+3A>G

Genes: FPGT-TNNI3K (FPGT-TNNI3K readthrough; plus strand), TNNI3K (TNNI3 interacting kinase; plus strand). Cytogenetic location: 1p31.1.
Variant type: single nucleotide variant.
Coding change: c.1772+3A>G on transcript NM_015978.3 (MANE Select); 3 bases into the intron after coding-DNA position 1772, A replaced by G.
Molecular consequence: intron variant.
Genome position (GRCh38, 1-based): chr1:74,370,395, A>G. VCF-style: chr1-74370395-A-G. GRCh37 (hg19) VCF-style: chr1-74836079-A-G.
Other names: c.2075+3A>G (NM_001112808.3, NM_001199327.2).
Identifiers: ClinVar variation 3671608 (VCV003671608.2).

ClinVar aggregate classification (germline): Uncertain significance (1 of 4 stars; one submission).

Submission:

Labcorp Genetics (formerly Invitae), Labcorp
Classification: Uncertain significance. Last evaluated: 2025-03-11. Review status: criteria provided, single submitter. Criteria: Invitae Variant Classification Sherloc (09022015). Collection method: clinical testing. Allele origin: germline.
Comment: This sequence change falls in intron 17 of the TNNI3K gene. It does not directly change the encoded amino acid sequence of the TNNI3K protein. It affects a nucleotide within the consensus splice site. This variant is not present in population databases (gnomAD no frequency). This variant has not been reported in the literature in individuals affected with TNNI3K-related conditions. Variants that disrupt the consensus splice site are a relatively common cause of aberrant splicing (PMID: 17576681, 9536098). Algorithms developed to predict the effect of sequence changes on RNA splicing suggest that this variant may disrupt the consensus splice site. In summary, the available evidence is currently insufficient to determine the role of this variant in disease. Therefore, it has been classified as a Variant of Uncertain Significance.

Literature cited by the submitters: PubMed 17576681; PubMed 9536098.